The following is an entry in ClinVar:

ClinVar aggregate classification (germline): Uncertain significance (1 of 4 stars; one submission).

Conditions:
Neurodevelopmental disorder with or without hyperkinetic movements and seizures, autosomal dominant. Also called: Intellectual disability, autosomal dominant 8. Identifiers: MedGen C3280282, MONDO:0013655, OMIM 614254.

Submission:

Labcorp Genetics (formerly Invitae), Labcorp
Classification: Uncertain significance for Neurodevelopmental disorder with or without hyperkinetic movements and seizures, autosomal dominant. Last evaluated: 2025-11-12. Review status: criteria provided, single submitter. Criteria: Invitae Variant Classification Sherloc (09022015). Collection method: clinical testing. Allele origin: germline.
Comment: This sequence change replaces aspartic acid, which is acidic and polar, with glutamic acid, which is acidic and polar, at codon 481 of the GRIN1 protein (p.Asp481Glu). This variant is not present in population databases (gnomAD no frequency). This variant has not been reported in the literature in individuals affected with GRIN1-related conditions. Invitae Evidence Modeling of protein sequence and biophysical properties (such as structural, functional, and spatial information, amino acid conservation, physicochemical variation, residue mobility, and thermodynamic stability) has been performed for this missense variant. However, the output from this modeling did not meet the statistical confidence thresholds required to predict the impact of this variant on GRIN1 protein function. In summary, the available evidence is currently insufficient to determine the role of this variant in disease. Therefore, it has been classified as a Variant of Uncertain Significance.

NM_007327.4(GRIN1):c.1443T>G (p.Asp481Glu)

Gene: GRIN1 (glutamate ionotropic receptor NMDA type subunit 1; plus strand). Cytogenetic location: 9q34.3.
Variant type: single nucleotide variant.
Coding change: c.1443T>G on transcript NM_007327.4 (MANE Select); coding-DNA position 1443, T replaced by G.
Protein change: p.Asp481Glu; replaces aspartic acid 481 with glutamic acid.
Molecular consequence: missense variant.
Genome position (GRCh38, 1-based): chr9:137,161,392, T>G. VCF-style: chr9-137161392-T-G. GRCh37 (hg19) VCF-style: chr9-140055844-T-G.
Other names: c.1443T>G, p.Asp481Glu (NM_000832.7, NM_021569.4); c.1506T>G, p.Asp502Glu (NM_001185090.2, NM_001185091.2, NM_001437330.1 and 1 more transcripts); short protein forms D481E, D502E.
Identifiers: ClinVar variation 4747303 (VCV004747303.1).